The following is an entry in ClinVar:

ClinVar aggregate classification (germline): Uncertain significance. Review status: criteria provided, multiple submitters, no conflicts (2 of 4 stars). 4 submissions from 4 submitters: Uncertain significance (4). Last evaluated 2025-04-10.

Conditions:
Myoclonic epilepsy, juvenile, susceptibility to, 1. Also called: Myoclonic Epilepsy, Juvenile, 1; EJM1. Identifiers: MedGen C1850778, MONDO:0020752, OMIM 254770.
Absence seizure. Also called: Absence epilepsy. Identifiers: Orphanet 1941, MedGen C0014553.

Allele frequency attached by ClinVar (database versions not stated): ExAC 0.00004; gnomAD exomes 0.00006 and 0.00011; gnomAD 0.00007 and 0.00009; TOPMed 0.00008.
gnomAD v4.1: 163 of 1,613,864 alleles (0.01%); highest among the groups gnomAD compares: Non-Finnish European, 0.014%; no homozygotes.

Submissions (4):

Ambry Genetics
Classification: Uncertain significance. Last evaluated: 2025-04-10. Review status: criteria provided, single submitter. Criteria: Ambry Variant Classification Scheme 2023. Collection method: clinical testing. Allele origin: germline.

Labcorp Genetics (formerly Invitae), Labcorp
Classification: Uncertain significance for Myoclonic epilepsy, juvenile, susceptibility to, 1; Absence seizure. Last evaluated: 2020-09-20. Review status: criteria provided, single submitter. Criteria: Invitae Variant Classification Sherloc (09022015). Collection method: clinical testing. Allele origin: germline.
Comment: In summary, the available evidence is currently insufficient to determine the role of this variant in disease. Therefore, it has been classified as a Variant of Uncertain Significance. Algorithms developed to predict the effect of sequence changes on RNA splicing suggest that this variant may disrupt the consensus splice site, but this prediction has not been confirmed by published transcriptional studies. Algorithms developed to predict the effect of missense changes on protein structure and function output the following: SIFT: "Tolerated"; PolyPhen-2: "Benign"; Align-GVGD: "Class C0". The isoleucine amino acid residue is found in multiple mammalian species, suggesting that this missense change does not adversely affect protein function. These predictions have not been confirmed by published functional studies and their clinical significance is uncertain. This variant has not been reported in the literature in individuals with EFHC1-related conditions. ClinVar contains an entry for this variant (Variation ID: 205382). This variant is present in population databases (rs781665913, ExAC 0.007%). This sequence change replaces valine with isoleucine at codon 192 of the EFHC1 protein (p.Val192Ile). The valine residue is moderately conserved and there is a small physicochemical difference between valine and isoleucine.

Athena Diagnostics
Classification: Uncertain significance. Last evaluated: 2018-12-12. Review status: criteria provided, single submitter. Criteria: Athena Diagnostics Criteria. Collection method: clinical testing. Allele origin: germline.

GeneDx
Classification: Uncertain significance. Last evaluated: 2015-02-07. Review status: criteria provided, single submitter. Criteria: GeneDx Variant Classification (06012015). Collection method: clinical testing. Allele origin: germline. Affected: yes.
Comment: p.Val192Ile (GTA>ATA): c.574 G>A in exon 4 of the EFHC1 gene (NM_018100.3). The V192I variant has not been published as a mutation, nor has it been reported as a benign polymorphism to our knowledge. This variant is a conservative amino acid substitution, which is not likely to impact secondary protein structure as these residues share similar properties, and in silico analysis predicts V192I likely does not alter the protein structure/function. This substitution occurs at a position that is not conserved across species, and Isoleucine is seen at this position in distant evolution. However, other missense mutations have been reported in association with juvenile myoclonic epilepsy, supporting the functional importance of this region of the protein. The variant is found in EPILEPSY panel(s).

NM_018100.4(EFHC1):c.574G>A (p.Val192Ile)

Gene: EFHC1 (EF-hand domain containing 1; plus strand). Cytogenetic location: 6p12.2.
Variant type: single nucleotide variant.
Coding change: c.574G>A on transcript NM_018100.4 (MANE Select); coding-DNA position 574, G replaced by A.
Protein change: p.Val192Ile; replaces valine 192 with isoleucine.
Molecular consequence: missense variant. On other transcripts: non-coding transcript variant (1).
Genome position (GRCh38, 1-based): chr6:52,452,688, G>A. VCF-style: chr6-52452688-G-A. GRCh37 (hg19) VCF-style: chr6-52317486-G-A.
Other names: p.V192I:GTA>ATA; c.517G>A, p.Val173Ile (NM_001172420.2); short protein forms V192I, V173I.
Identifiers: ClinVar variation 205382 (VCV000205382.15), dbSNP rs781665913, ClinGen allele CA314402.
Genomic context (GRCh38, chr6:52,452,688, plus strand): 5'-TTATAACTTACTCTGAAAAGCTCCAAGAAAGATGATCATTGTTAACTTTCAATTATTTAG[G>A]TATTTTTAGAAAGCCAAGGAATTGAGTTAAATCCACCAGAGAAGATGGCTCTTGATCCTT-3'
Protein context (NP_060570.2, residues 182-202): RVVDCDQFTQ[Val192Ile]FLESQGIELN